The following is an entry in ClinVar:

ClinVar aggregate classification (germline): Conflicting classifications of pathogenicity. Review status: criteria provided, conflicting classifications (1 of 4 stars). 3 submissions from 3 submitters: Uncertain significance (1); Benign (1); Likely benign (1). Last evaluated 2025-10-26.

Conditions:
Cardiovascular phenotype. Identifiers: MedGen CN230736.
Long QT syndrome (LQTS). Identifiers: MedGen C0023976, MeSH D008133, MONDO:0002442. Disease mechanism: loss of function. Inheritance: Various modes of inheritance.

Allele frequency attached by ClinVar (database versions not stated): TOPMed 0.00005; gnomAD 0.00007 and 0.00011; gnomAD exomes 0.00010; ExAC 0.00018.
gnomAD v4.1: 77 of 1,609,016 alleles (0.0048%); highest among the groups gnomAD compares: South Asian, 0.03%; 2 homozygotes.

Submissions (3):

Labcorp Genetics (formerly Invitae), Labcorp
Classification: Benign for Long QT syndrome. Last evaluated: 2025-10-26. Review status: criteria provided, single submitter. Criteria: Invitae Variant Classification Sherloc (09022015). Collection method: clinical testing. Allele origin: germline.

Ambry Genetics
Classification: Likely benign for Cardiovascular phenotype. Last evaluated: 2022-04-21. Review status: criteria provided, single submitter. Criteria: Ambry Variant Classification Scheme 2023. Collection method: clinical testing. Allele origin: germline.

GeneDx
Classification: Uncertain significance. Last evaluated: 2016-08-01. Review status: criteria provided, single submitter. Criteria: GeneDx Variant Classification (06012015). Collection method: clinical testing. Allele origin: germline. Affected: yes.
Comment: A variant of uncertain significance has been identified in the CACNA1C gene. The A1067V varianthas not been published as a pathogenic or benign variant to our knowledge. While the A1067V variantwas not observed in approximately 6,200 individuals of European and African American ancestry inthe NHLBI Exome Sequencing Project, the Exome Aggregation Consortium reports A1067Vwasobserved in 0.14% of alleles from individuals of East Asian background, indicating it may be a rarevariant in this population. Although this substitution occurs at a position that is conserved inmammals, the A1067 variant is a conservative amino acid substitution, which is not likely to impactsecondary protein structure as these residues share similar properties. Consequently, in silico analysis isinconsistent in its predictions as to whether or not the variant is damaging to the proteinstructure/function. Lastly, no missense variants in nearby residues have been reported in the HumanGene Mutation Database in association with arrhythmia (Stenson et al., 2014).Therefore, based on the currently available information, it is unclear whether this variant ispathogenic or rare benign.

NM_000719.7(CACNA1C):c.3200C>T (p.Ala1067Val)

Gene: CACNA1C (calcium voltage-gated channel subunit alpha1 C; plus strand). Cytogenetic location: 12p13.33.
Variant type: single nucleotide variant.
Coding change: c.3200C>T on transcript NM_000719.7 (MANE Select); coding-DNA position 3200, C replaced by T.
Protein change: p.Ala1067Val; replaces alanine 1067 with valine.
Molecular consequence: missense variant.
Genome position (GRCh38, 1-based): chr12:2,606,654, C>T. VCF-style: chr12-2606654-C-T. GRCh37 (hg19) VCF-style: chr12-2715820-C-T.
Other names: c.3260C>T, p.Ala1087Val (NM_001129827.2, NM_001129832.2, NM_199460.4); c.3200C>T, p.Ala1067Val (NM_001129829.2, NM_001129830.3, NM_001129831.2 and 15 more transcripts); c.3191C>T, p.Ala1064Val (NM_001129844.2); short protein forms A1067V, A1087V, A1064V.
Identifiers: ClinVar variation 421861 (VCV000421861.15), dbSNP rs750998195, ClinGen allele CA6389183.